The following is an entry in ClinVar:

ClinVar aggregate classification (germline): Conflicting classifications of pathogenicity. Review status: criteria provided, conflicting classifications (1 of 4 stars). 9 submissions from 9 submitters: Uncertain significance (8); Benign (1). Last evaluated 2025-12-19.

Conditions:
BMPR1A-related disorder. Also called: BMPR1A-related condition.
Juvenile polyposis syndrome (JPS). Identifiers: Orphanet 2929, MedGen C0345893, MONDO:0017380, OMIM 174900.
Hereditary cancer-predisposing syndrome. Also called: Tumor predisposition; Hereditary Cancer Syndrome; Neoplastic Syndromes, Hereditary; Hereditary neoplastic syndrome. Identifiers: Orphanet 140162, MedGen C0027672, MeSH D009386, MONDO:0015356.
Polyposis syndrome, hereditary mixed, 2. Identifiers: Orphanet 157794, MedGen C1864730, MONDO:0012405, OMIM 610069.

Allele frequency attached by ClinVar (database versions not stated): TOPMed 0.00001.
gnomAD v4.1: 16 of 1,613,838 alleles (0.00099%); highest among the groups gnomAD compares: Admixed American, 0.0033%; no homozygotes.

Submissions (9):

Labcorp Genetics (formerly Invitae), Labcorp
Classification: Uncertain significance for Juvenile polyposis syndrome. Last evaluated: 2025-12-19. Review status: criteria provided, single submitter. Criteria: Invitae Variant Classification Sherloc (09022015). Collection method: clinical testing. Allele origin: germline.
Comment: This sequence change replaces arginine, which is basic and polar, with glycine, which is neutral and non-polar, at codon 238 of the BMPR1A protein (p.Arg238Gly). This variant is present in population databases (rs747728399, gnomAD 0.008%). This missense change has been observed in individual(s) with clinical features of juvenile polyposis syndrome and/or colorectal cancer (PMID: 30680046, 35430768). ClinVar contains an entry for this variant (Variation ID: 449255). Invitae Evidence Modeling incorporating data from in vitro experimental studies (internal data) indicates that this missense variant is expected to disrupt BMPR1A function with a positive predictive value of 95%. In summary, the available evidence is currently insufficient to determine the role of this variant in disease. Therefore, it has been classified as a Variant of Uncertain Significance.

Quest Diagnostics Nichols Institute San Juan Capistrano
Classification: Uncertain significance. Last evaluated: 2025-04-09. Review status: criteria provided, single submitter. Criteria: Quest Diagnostics criteria. Collection method: clinical testing. Allele origin: unknown.
Comment: The BMPR1A c.712C>G (p.Arg238Gly) variant has been reported in the published literature in an individual with hepatocellular carcinoma (PMID: 32459922 (2020)) and an individual with duodenal polyposis and colorectal adenomas (PMID: 30680046 (2019)). The frequency of this variant in the general population (Genome Aggregation Database) is uninformative in the assessment of its pathogenicity. Analysis of this variant using bioinformatics tools for the prediction of the effect of amino acid changes on protein structure and function yielded conflicting predictions that this variant is deleterious or benign. Based on the available information, we are unable to determine the clinical significance of this variant.

All of Us Research Program, National Institutes of Health
Classification: Uncertain significance for Juvenile polyposis syndrome. Last evaluated: 2024-03-24. Review status: criteria provided, single submitter. Criteria: ACMG Guidelines, 2015. Collection method: clinical testing. Allele origin: germline. Inheritance: Autosomal dominant inheritance. Observed: 3 variant alleles, 3 heterozygotes.
Comment: This missense variant replaces arginine with glycine at codon 238 of the BMPR1A protein. Computational prediction is inconclusive regarding the impact of this variant on protein structure and function (internally defined REVEL score threshold 0.5 < inconclusive < 0.7, PMID: 27666373). To our knowledge, functional studies have not been performed for this variant. This variant has been reported in an individual affected with duodenal polyposis in the literature (PMID: 30680046). This variant has been identified in 6/282802 chromosomes in the general population by the Genome Aggregation Database (gnomAD). The available evidence is insufficient to determine the role of this variant in disease conclusively. Therefore, this variant is classified as a Variant of Uncertain Significance.

This study involves interpretation of variants in research participants for the purpose of population health screening. Participant phenotype was not available at the time of variant classification. Additional details can be found in publication PMID: 35346344, PMCID: PMC8962531

Color Diagnostics, LLC DBA Color Health
Classification: Uncertain significance for Hereditary cancer-predisposing syndrome. Last evaluated: 2024-02-15. Review status: criteria provided, single submitter. Criteria: ACMG Guidelines, 2015. Collection method: clinical testing. Allele origin: germline.
Comment: This missense variant replaces arginine with glycine at codon 238 of the BMPR1A protein. Computational prediction is inconclusive regarding the impact of this variant on protein structure and function (internally defined REVEL score threshold 0.5 < inconclusive < 0.7, PMID: 27666373). To our knowledge, functional studies have not been performed for this variant. This variant has been reported in an individual affected with duodenal polyposis in the literature (PMID: 30680046). This variant has been identified in 6/282802 chromosomes in the general population by the Genome Aggregation Database (gnomAD). The available evidence is insufficient to determine the role of this variant in disease conclusively. Therefore, this variant is classified as a Variant of Uncertain Significance.

Baylor Genetics
Classification: Uncertain significance for Polyposis syndrome, hereditary mixed, 2. Last evaluated: 2023-06-16. Review status: criteria provided, single submitter. Criteria: ACMG Guidelines, 2015. Collection method: clinical testing. Allele origin: unknown.

PreventionGenetics, part of Exact Sciences
Classification: Uncertain significance for BMPR1A-related condition. Last evaluated: 2023-05-03. Review status: criteria provided, single submitter. Criteria: ACMG Guidelines, 2015. Collection method: clinical testing. Allele origin: germline.
Comment: The BMPR1A c.712C>G variant is predicted to result in the amino acid substitution p.Arg238Gly. This variant has been reported in an individual with colorectal adenomas (Henn et al. 2019. PubMed ID: 30680046). This variant is reported in 0.0056% of alleles in individuals of Latino descent in gnomAD and has conflicting interpretations of benign and uncertain. At this time, the clinical significance of this variant is uncertain due to the absence of conclusive functional and genetic evidence.

Ambry Genetics
Classification: Benign for Hereditary cancer-predisposing syndrome. Last evaluated: 2021-12-28. Review status: criteria provided, single submitter. Criteria: Ambry Variant Classification Scheme 2023. Collection method: clinical testing. Allele origin: germline.

Sema4
Classification: Uncertain significance for Hereditary cancer-predisposing syndrome. Last evaluated: 2021-12-14. Review status: criteria provided, single submitter. Criteria: Sema4 Curation Guidelines. Collection method: curation. Allele origin: germline.
Comment: The BMPR1A c.712C>G (p.R238G) variant has been reported in heterozygosity in at least one individual with duodenal polyposis (PMID: 30680046). It was observed in 6/282802 chromosomes across all populations in the large and broad cohorts of the Genome Aggregation Database (PMID: 32461654). The variant has been reported in ClinVar (Variation ID: 449255). Functional studies have not been performed, and in silico predictions of the variant's effect on protein function are inconclusive. The evidence is insufficient to meet ACMG/AMP criteria for classifying the variant as benign or pathogenic. Thus, the clinical significance of this variant is currently uncertain.

GeneDx
Classification: Uncertain significance. Last evaluated: 2017-05-03. Review status: criteria provided, single submitter. Criteria: GeneDx Variant Classification (06012015). Collection method: clinical testing. Allele origin: germline. Affected: yes.
Comment: This variant is denoted BMPR1A c.712C>G at the cDNA level, p.Arg238Gly (R238G) at the protein level, and results in the change of an Arginine to a Glycine (CGG>GGG). This variant has not, to our knowledge, been published in the literature as pathogenic or benign. BMPR1A Arg238Gly was not observed in large population cohorts (NHLBI Exome Sequencing Project, The 1000 Genomes Consortium 2015, Lek 2016). Since Arginine and Glycine differ in polarity, charge, size or other properties, this is considered a non-conservative amino acid substitution. BMPR1A Arg238Gly occurs at a position that is conserved across species and is located in the Protein Kinase Domain (Howe 2004, UniProt). In silico analyses predict that this variant is probably damaging to protein structure and function. Based on currently available information, it is unclear whether BMPR1A Arg238Gly is pathogenic or benign. We consider it to be a variant of uncertain significance.

Literature cited by the submitters: PubMed 30680046 (cited by 6 submitters); PubMed 35430768 (cited by Labcorp Genetics (formerly Invitae), Labcorp); PubMed 32459922 (cited by Quest Diagnostics Nichols Institute San Juan Capistrano).

NM_004329.3(BMPR1A):c.712C>G (p.Arg238Gly)

Gene: BMPR1A (bone morphogenetic protein receptor type 1A; plus strand). Cytogenetic location: 10q23.2.
Variant type: single nucleotide variant.
Coding change: c.712C>G on transcript NM_004329.3 (MANE Select); coding-DNA position 712, C replaced by G.
Protein change: p.Arg238Gly; replaces arginine 238 with glycine.
Molecular consequence: missense variant.
Genome position (GRCh38, 1-based): chr10:86,917,170, C>G. VCF-style: chr10-86917170-C-G. GRCh37 (hg19) VCF-style: chr10-88676927-C-G.
Other names: short protein forms R238G.
Identifiers: ClinVar variation 449255 (VCV000449255.29), dbSNP rs747728399, ClinGen allele CA5585591.